The following is an entry in ClinVar:

NM_000073.3(CD3G):c.294A>T (p.Gln98His)

Genes: CD3G (CD3 gamma subunit of T-cell receptor complex; plus strand), LOC126861358 (BRD4-independent group 4 enhancer GRCh37_chr11:118220212-118221411; plus strand). Cytogenetic location: 11q23.3.
Variant type: single nucleotide variant.
Coding change: c.294A>T on transcript NM_000073.3 (MANE Select); coding-DNA position 294, A replaced by T.
Protein change: p.Gln98His; replaces glutamine 98 with histidine.
Molecular consequence: missense variant.
Genome position (GRCh38, 1-based): chr11:118,349,957, A>T. VCF-style: chr11-118349957-A-T. GRCh37 (hg19) VCF-style: chr11-118220672-A-T.
Other names: c.294A>T (NM_000073.2); short protein forms Q98H.
Identifiers: ClinVar variation 1504218 (VCV001504218.5), dbSNP rs201795915, ClinGen allele CA6302142.

ClinVar aggregate classification (germline): Uncertain significance. Review status: criteria provided, multiple submitters, no conflicts (2 of 4 stars). 2 submissions from 2 submitters: Uncertain significance (2). Last evaluated 2025-01-21.

Conditions:
Combined immunodeficiency due to CD3gamma deficiency. Also called: CD3-GAMMA DEFICIENCY; SCID-LIKE IMMUNODEFICIENCY, T CELL-PARTIAL, B CELL-POSITIVE, NK CELL-POSITIVE; Immunodeficiency 17; Immunodeficiency 17, CD3 gamma deficient. Identifiers: Orphanet 169082, MedGen C3810107, MONDO:0014276, OMIM 615607.

Allele frequency attached by ClinVar (database versions not stated): TOPMed 0.00001; gnomAD exomes 0.00002; gnomAD 0.00001; ExAC 0.00003.
gnomAD v4.1: 69 of 1,612,946 alleles (0.0043%); highest among the groups gnomAD compares: Middle Eastern, 0.05%; no homozygotes.

Submissions (2):

Ambry Genetics
Classification: Uncertain significance. Last evaluated: 2025-01-21. Review status: criteria provided, single submitter. Criteria: Ambry Variant Classification Scheme 2023. Collection method: clinical testing. Allele origin: germline.

Labcorp Genetics (formerly Invitae), Labcorp
Classification: Uncertain significance for Combined immunodeficiency due to CD3gamma deficiency. Last evaluated: 2024-12-10. Review status: criteria provided, single submitter. Criteria: Invitae Variant Classification Sherloc (09022015). Collection method: clinical testing. Allele origin: germline.
Comment: This sequence change replaces glutamine, which is neutral and polar, with histidine, which is basic and polar, at codon 98 of the CD3G protein (p.Gln98His). This variant is present in population databases (rs201795915, gnomAD 0.004%). This variant has not been reported in the literature in individuals affected with CD3G-related conditions. ClinVar contains an entry for this variant (Variation ID: 1504218). An algorithm developed to predict the effect of missense changes on protein structure and function outputs the following: PolyPhen-2: "Benign". The histidine amino acid residue is found in multiple mammalian species, which suggests that this missense change does not adversely affect protein function. In summary, the available evidence is currently insufficient to determine the role of this variant in disease. Therefore, it has been classified as a Variant of Uncertain Significance.